The following is an entry in ClinVar:

ClinVar aggregate classification (germline): Uncertain significance (1 of 4 stars; one submission).

Conditions:
Hereditary cancer-predisposing syndrome. Also called: Tumor predisposition; Hereditary Cancer Syndrome; Hereditary neoplastic syndrome; Neoplastic Syndromes, Hereditary. Identifiers: Orphanet 140162, MedGen C0027672, MeSH D009386, MONDO:0015356.

Submission:

Ambry Genetics
Classification: Uncertain significance for Hereditary cancer-predisposing syndrome. Last evaluated: 2025-09-29. Review status: criteria provided, single submitter. Criteria: Ambry Variant Classification Scheme 2023. Collection method: clinical testing. Allele origin: germline.
Comment: The p.Q1536L variant (also known as c.4607A>T), located in coding exon 35 of the TSC2 gene, results from an A to T substitution at nucleotide position 4607. The glutamine at codon 1536 is replaced by leucine, an amino acid with dissimilar properties. This amino acid position is conserved. In addition, this alteration is predicted to be deleterious by in silico analysis. Based on the available evidence, the clinical significance of this variant remains unclear.

NM_000548.5(TSC2):c.4607A>T (p.Gln1536Leu)

Gene: TSC2 (TSC complex subunit 2; plus strand). Cytogenetic location: 16p13.3.
Variant type: single nucleotide variant.
Coding change: c.4607A>T on transcript NM_000548.5 (MANE Select); coding-DNA position 4607, A replaced by T.
Protein change: p.Gln1536Leu; replaces glutamine 1536 with leucine.
Molecular consequence: missense variant. On other transcripts: non-coding transcript variant (5).
Genome position (GRCh38, 1-based): chr16:2,085,267, A>T. VCF-style: chr16-2085267-A-T. GRCh37 (hg19) VCF-style: chr16-2135268-A-T.
Other names: c.4406A>T, p.Gln1469Leu (NM_001077183.3); c.4538A>T, p.Gln1513Leu (NM_001114382.3); c.4298A>T, p.Gln1433Leu (NM_001318827.2); c.4262A>T, p.Gln1421Leu (NM_001318829.2); c.3875A>T, p.Gln1292Leu (NM_001318831.2); c.4439A>T, p.Gln1480Leu (NM_001318832.2); c.4409A>T, p.Gln1470Leu (NM_001363528.2); c.4475A>T, p.Gln1492Leu (NM_001370404.1); and 26 more; short protein forms Q1021L, Q1312L, Q1313L, Q1421L, Q1433L, Q1469L, Q1493L, Q1512L.
Identifiers: ClinVar variation 4556776 (VCV004556776.1).
Genomic context (GRCh38, chr16:2,085,267, plus strand): 5'-AGGCAGGGCTCTGTGTGCCACAGTCACAGTCCTTTGAGCGGTCGGTGCAGCTCCTCGACC[A>T]GATCCCATCATACGACACCCACAAGATCGCCGTCCTGTATGTTGGAGAAGGCCAGGTGAG-3'
Protein context (NP_000539.2, residues 1526-1546): SFERSVQLLD[Gln1536Leu]IPSYDTHKIA